The following is an entry in ClinVar:

ClinVar aggregate classification (germline): Uncertain significance. Review status: criteria provided, multiple submitters, no conflicts (2 of 4 stars). 2 submissions from 2 submitters: Uncertain significance (2). Last evaluated 2026-08-05.

Conditions:
SLC12A1-related disorder. Also called: SLC12A1-related condition.
Bartter disease type 1. Also called: HYPERPROSTAGLANDIN E SYNDROME 1; HYPOKALEMIC ALKALOSIS WITH HYPERCALCIURIA 1, ANTENATAL; Bartter Syndrome type 1; Bartter syndrome, type 1, antenatal. Identifiers: Orphanet 112, Orphanet 620217, MedGen C1866495, MONDO:0100344, OMIM 601678, MONDO:0011127.

gnomAD v4.1: 168 of 1,605,388 alleles (0.01%); highest among the groups gnomAD compares: Non-Finnish European, 0.014%; no homozygotes.

Submissions (2):

PreventionGenetics, part of Exact Sciences
Classification: Uncertain significance for SLC12A1-related condition. Last evaluated: 2026-08-05. Review status: criteria provided, single submitter. Criteria: ACMG Guidelines, 2015. Collection method: clinical testing. Allele origin: germline.
Comment: The SLC12A1 c.2990C>T variant is predicted to result in the amino acid substitution p.Pro997Leu. To our knowledge, this variant has not been reported in the literature. This variant is reported in 0.020% of alleles in individuals of European (Non-Finnish) descent in gnomAD. At this time, the clinical significance of this variant is uncertain due to the absence of conclusive functional and genetic evidence.

Fulgent Genetics
Classification: Uncertain significance for Bartter disease type 1. Last evaluated: 2024-05-20. Review status: criteria provided, single submitter. Criteria: ACMG Guidelines, 2015. Collection method: clinical testing. Allele origin: germline.

NM_000338.3(SLC12A1):c.2990C>T (p.Pro997Leu)

Gene: SLC12A1 (solute carrier family 12 member 1; plus strand). Cytogenetic location: 15q21.1.
Variant type: single nucleotide variant.
Coding change: c.2990C>T on transcript NM_000338.3 (MANE Select); coding-DNA position 2990, C replaced by T.
Protein change: p.Pro997Leu; replaces proline 997 with leucine.
Molecular consequence: missense variant.
Genome position (GRCh38, 1-based): chr15:48,299,169, C>T. VCF-style: chr15-48299169-C-T. GRCh37 (hg19) VCF-style: chr15-48591366-C-T.
Other names: c.2990C>T, p.Pro997Leu (NM_001184832.2, NM_001384136.1); c.2990C>T (NM_000338.2); short protein forms P997L.
Identifiers: ClinVar variation 3577332 (VCV003577332.2).